The following is an entry in ClinVar:

ClinVar aggregate classification (germline): Uncertain significance (1 of 4 stars; one submission).

Conditions:
Hereditary cancer-predisposing syndrome. Also called: Neoplastic Syndromes, Hereditary; Tumor predisposition; Hereditary neoplastic syndrome; Hereditary Cancer Syndrome. Identifiers: Orphanet 140162, MedGen C0027672, MeSH D009386, MONDO:0015356.

Submission:

Ambry Genetics
Classification: Uncertain significance for Hereditary cancer-predisposing syndrome. Last evaluated: 2026-07-06. Review status: criteria provided, single submitter. Criteria: Ambry Variant Classification Scheme 2023. Collection method: clinical testing. Allele origin: germline.
Comment: The p.S587T variant (also known as c.1759T>A), located in coding exon 16 of the NF2 gene, results from a T to A substitution at nucleotide position 1759. The serine at codon 587 is replaced by threonine, an amino acid with similar properties. This amino acid position is conserved. In addition, the in silico prediction for this alteration is inconclusive. Based on the available evidence, the clinical significance of this variant remains unclear.

NM_000268.4(NF2):c.1759T>A (p.Ser587Thr)

Gene: NF2 (NF2, moesin-ezrin-radixin like (MERLIN) tumor suppressor; plus strand). Cytogenetic location: 22q12.2.
Variant type: single nucleotide variant.
Coding change: c.1759T>A on transcript NM_000268.4 (MANE Select); coding-DNA position 1759, T replaced by A.
Protein change: p.Ser587Thr; replaces serine 587 with threonine.
Molecular consequence: missense variant. On other transcripts: 3 prime UTR variant (11), non-coding transcript variant (1).
Genome position (GRCh38, 1-based): chr22:29,694,773, T>A. VCF-style: chr22-29694773-T-A. GRCh37 (hg19) VCF-style: chr22-30090762-T-A.
Other names: c.1645T>A, p.Ser549Thr (NM_001407053.1); c.1636T>A, p.Ser546Thr (NM_001407054.1); c.1633T>A, p.Ser545Thr (NM_001407055.1); c.*31T>A (NM_001407056.1, NM_001407059.1, NM_001407065.1 and 5 more transcripts); c.1624T>A, p.Ser542Thr (NM_001407057.1); c.*46T>A (NM_001407058.1, NM_001407063.1, NM_181832.3); c.1596T>A, p.Ser532Arg (NM_001407060.1); c.1501T>A, p.Ser501Thr (NM_001407062.1); and 2 more; short protein forms S546T, S449R, S501T, S532R, S549T, S587T, S157T, S542T.
Identifiers: ClinVar variation 5025691 (VCV005025691.1).
Genomic context (GRCh38, chr22:29,694,773, plus strand): 5'-GTCTTGTGCCCTCTCAGCTTCTTCTCTGCTTTCTTACAGCTCACCTTGCAGAGCGCCAAG[T>A]CCCGAGTGGCCTTCTTTGAAGAGCTCTAGCAGGTGACCCAGCCACCCCAGGACCTGCCAC-3'
Protein context (NP_000259.1, residues 577-595): IKKLTLQSAK[Ser587Thr]RVAFFEEL